The following is an entry in ClinVar:

ClinVar aggregate classification (germline): Likely pathogenic (1 of 4 stars; one submission).

Conditions:
Intellectual developmental disorder, autosomal dominant 57. Also called: MENTAL RETARDATION, AUTOSOMAL DOMINANT 57; Intellectual disability, autosomal dominant 57. Identifiers: MedGen C4748003, MONDO:0054837, OMIM 618050.

Submission:

MVZ Medizinische Genetik Mainz
Classification: Likely pathogenic for Intellectual developmental disorder, autosomal dominant 57. Last evaluated: 2024-03-28. Review status: criteria provided, single submitter. Criteria: UK Practice Guidelines For Variant Classification V4 01 2020. Collection method: clinical testing. Allele origin: germline. Inheritance: Autosomal dominant inheritance. Affected: yes. Observed: 1 variant allele.
Comment: ACMG Criteria: PVS1,PM2_SUP

NM_006852.6(TLK2):c.1147C>T (p.Gln383Ter)

Gene: TLK2 (tousled like kinase 2; plus strand). Cytogenetic location: 17q23.2.
Variant type: single nucleotide variant.
Coding change: c.1147C>T on transcript NM_006852.6 (MANE Select); coding-DNA position 1147, C replaced by T.
Protein change: p.Gln383Ter; replaces glutamine 383 with a stop codon.
Molecular consequence: nonsense.
Genome position (GRCh38, 1-based): chr17:62,576,734, C>T. VCF-style: chr17-62576734-C-T. GRCh37 (hg19) VCF-style: chr17-60654095-C-T.
Other names: c.1213C>T, p.Gln405Ter (NM_001284333.3); c.1051C>T, p.Gln351Ter (NM_001284363.1, NM_001375272.1); c.700C>T, p.Gln234Ter (NM_001330418.3, NM_001375273.1); c.1189C>T, p.Gln397Ter (NM_001375269.1); c.1147C>T, p.Gln383Ter (NM_001375270.1, NM_001375271.1); c.862C>T, p.Gln288Ter (NM_001411074.1); short protein forms Q234*, Q288*, Q351*, Q383*, Q397*, Q405*.
Identifiers: ClinVar variation 3256882 (VCV003256882.1).